The following is an entry in ClinVar:

ClinVar aggregate classification (germline): Pathogenic. Review status: criteria provided, multiple submitters, no conflicts (2 of 4 stars). 3 submissions from 3 submitters: Pathogenic (3). Last evaluated 2024-02-01.

Conditions:
Microcephaly 5, primary, autosomal recessive (MCPH5). Also called: ASPM Primary Microcephaly. Identifiers: Orphanet 2512, MedGen C1837501, MONDO:0012106, OMIM 608716.
Abnormality of the nervous system. Also called: Congenital nervous system disorder. Identifiers: MedGen C0497552, MONDO:0002320, HP:0000707.

Allele frequency attached by ClinVar (database versions not stated): gnomAD exomes below 0.00001.

Submissions (3):

Revvity Omics, Revvity
Classification: Pathogenic for Microcephaly 5, primary, autosomal recessive. Last evaluated: 2024-02-01. Review status: criteria provided, single submitter. Criteria: ACMG Guidelines, 2015. Collection method: clinical testing. Allele origin: germline.

Kariminejad - Najmabadi Pathology & Genetics Center
Classification: Pathogenic for Abnormality of the nervous system. Last evaluated: 2021-07-10. Review status: criteria provided, single submitter. Criteria: ACMG Guidelines, 2015. Collection method: clinical testing. Allele origin: germline. Affected: yes.

Juno Genomics, Hangzhou Juno Genomics, Inc
Classification: Pathogenic for Microcephaly 5, primary, autosomal recessive. Review status: criteria provided, single submitter. Criteria: ACMG Guidelines, 2015. Collection method: clinical testing. Allele origin: germline.
Comment: Absent from controls (or at extremely low frequency if recessive) in Genome Aggregation Database.;Null variant in a gene where loss of function (LOF) is a known mechanism of disease.;For recessive disorders, detected in trans with a pathogenic variant.

NM_018136.5(ASPM):c.1592_1595del (p.Val531fs)

Gene: ASPM (assembly factor for spindle microtubules; minus strand). Cytogenetic location: 1q31.3.
Variant type: Deletion.
Coding change: c.1592_1595del on transcript NM_018136.5 (MANE Select); coding-DNA positions 1592 to 1595, 4 bases deleted (TAAT; older notation c.1592_1595delTAAT).
Protein change: p.Val531fs; shifts the reading frame from valine 531.
Molecular consequence: frameshift variant.
Genome position (GRCh38, 1-based): chr1:197,142,657-197,142,660, ATTA deleted on the plus strand (TAAT on the coding strand, the reverse complement: ASPM is on the minus strand). VCF-style (leftmost placement, unchanged base first): chr1-197142656-TATTA-T. GRCh37 (hg19) VCF-style: chr1-197111786-TATTA-T.
Other names: c.1592_1595del, p.Val531fs (NM_001206846.2); c.1592_1595delTAAT (NM_018136.5); short protein forms V531fs.
Identifiers: ClinVar variation 1180742 (VCV001180742.4), dbSNP rs2125113873, ClinGen allele CA2573051454.